The following is an entry in ClinVar:

NM_001276270.2(MBD4):c.1010G>A (p.Cys337Tyr)

Gene: MBD4 (methyl-CpG binding domain 4, DNA glycosylase; minus strand). Cytogenetic location: 3q21.3.
Variant type: single nucleotide variant.
Coding change: c.1010G>A on transcript NM_001276270.2 (MANE Select); coding-DNA position 1010, G replaced by A.
Protein change: p.Cys337Tyr; replaces cysteine 337 with tyrosine.
Molecular consequence: missense variant. On other transcripts: intron variant (1).
Genome position (GRCh38, 1-based): chr3:129,436,634, C>T on the plus strand (G>A on the coding strand, the complement: MBD4 is on the minus strand). VCF-style: chr3-129436634-C-T. GRCh37 (hg19) VCF-style: chr3-129155477-C-T.
Other names: c.1010G>A, p.Cys337Tyr (NM_003925.3, NM_001276271.2, NM_001276272.2); c.247+1174G>A (NM_001276273.2); short protein forms C337Y.
Identifiers: ClinVar variation 3543798 (VCV003543798.3).

ClinVar aggregate classification (germline): Uncertain significance. Review status: criteria provided, multiple submitters, no conflicts (2 of 4 stars). 2 submissions from 2 submitters: Uncertain significance (2). Last evaluated 2025-12-10.

Conditions:
Inborn genetic diseases. Identifiers: MedGen C0950123, MeSH D030342.

gnomAD v4.1: 4 of 1,614,050 alleles (0.00025%); highest among the groups gnomAD compares: East Asian, 0.0067%; no homozygotes.

Submissions (2):

Labcorp Genetics (formerly Invitae), Labcorp
Classification: Uncertain significance. Last evaluated: 2025-12-10. Review status: criteria provided, single submitter. Criteria: Invitae Variant Classification Sherloc (09022015). Collection method: clinical testing. Allele origin: germline.
Comment: This sequence change replaces cysteine, which is neutral and slightly polar, with tyrosine, which is neutral and polar, at codon 337 of the MBD4 protein (p.Cys337Tyr). This variant is present in population databases (rs376792650, gnomAD 0.03%). This variant has not been reported in the literature in individuals affected with MBD4-related conditions. ClinVar contains an entry for this variant (Variation ID: 3543798). An algorithm developed to predict the effect of missense changes on protein structure and function outputs the following: PolyPhen-2: "Benign". The tyrosine amino acid residue is found in multiple mammalian species, which suggests that this missense change does not adversely affect protein function. In summary, the available evidence is currently insufficient to determine the role of this variant in disease. Therefore, it has been classified as a Variant of Uncertain Significance.

Ambry Genetics
Classification: Uncertain significance for Inborn genetic diseases. Last evaluated: 2024-12-04. Review status: criteria provided, single submitter. Criteria: Ambry Variant Classification Scheme 2023. Collection method: clinical testing. Allele origin: germline.
Comment: The p.C337Y variant (also known as c.1010G>A), located in coding exon 3 of the MBD4 gene, results from a G to A substitution at nucleotide position 1010. The cysteine at codon 337 is replaced by tyrosine, an amino acid with highly dissimilar properties. This amino acid position is conserved. In addition, this alteration is predicted to be tolerated by in silico analysis. Based on the available evidence, the clinical significance of this variant remains unclear.